The following is an entry in ClinVar:

ClinVar aggregate classification (germline): Uncertain significance (1 of 4 stars; one submission).

Submission:

Labcorp Genetics (formerly Invitae), Labcorp
Classification: Uncertain significance. Last evaluated: 2025-02-03. Review status: criteria provided, single submitter. Criteria: Invitae Variant Classification Sherloc (09022015). Collection method: clinical testing. Allele origin: germline.
Comment: This sequence change replaces glutamic acid, which is acidic and polar, with glycine, which is neutral and non-polar, at codon 405 of the SPECC1L protein (p.Glu405Gly). This variant is not present in population databases (gnomAD no frequency). This variant has not been reported in the literature in individuals affected with SPECC1L-related conditions. Invitae Evidence Modeling of protein sequence and biophysical properties (such as structural, functional, and spatial information, amino acid conservation, physicochemical variation, residue mobility, and thermodynamic stability) indicates that this missense variant is expected to disrupt SPECC1L protein function with a positive predictive value of 80%. In summary, the available evidence is currently insufficient to determine the role of this variant in disease. Therefore, it has been classified as a Variant of Uncertain Significance.

NM_015330.6(SPECC1L):c.1214A>G (p.Glu405Gly)

Genes: SPECC1L (sperm antigen with calponin homology and coiled-coil domains 1 like; plus strand), SPECC1L-ADORA2A (SPECC1L-ADORA2A readthrough (NMD candidate); plus strand). Cytogenetic location: 22q11.23.
Variant type: single nucleotide variant.
Coding change: c.1214A>G on transcript NM_015330.6 (MANE Select); coding-DNA position 1214, A replaced by G.
Protein change: p.Glu405Gly; replaces glutamic acid 405 with glycine.
Molecular consequence: missense variant. On other transcripts: non-coding transcript variant (1).
Genome position (GRCh38, 1-based): chr22:24,322,194, A>G. VCF-style: chr22-24322194-A-G. GRCh37 (hg19) VCF-style: chr22-24718162-A-G.
Other names: c.1214A>G, p.Glu405Gly (NM_001145468.4, NM_001254732.3); short protein forms E405G.
Identifiers: ClinVar variation 3635053 (VCV003635053.2).